The following is an entry in ClinVar:

ClinVar aggregate classification (germline): Uncertain significance (1 of 4 stars; one submission).

Conditions:
Familial adenomatous polyposis 1 (FAP1). Also called: POLYPOSIS, ADENOMATOUS INTESTINAL; FAMILIAL ADENOMATOUS POLYPOSIS 1, ATTENUATED. Identifiers: MedGen C2713442, MONDO:0021056, OMIM 175100. Disease mechanism: loss of function.

Submission:

Labcorp Genetics (formerly Invitae), Labcorp
Classification: Uncertain significance for Familial adenomatous polyposis 1. Last evaluated: 2022-03-26. Review status: criteria provided, single submitter. Criteria: Invitae Variant Classification Sherloc (09022015). Collection method: clinical testing. Allele origin: germline.
Comment: This sequence change replaces threonine, which is neutral and polar, with serine, which is neutral and polar, at codon 2422 of the APC protein (p.Thr2422Ser). In summary, the available evidence is currently insufficient to determine the role of this variant in disease. Therefore, it has been classified as a Variant of Uncertain Significance. Algorithms developed to predict the effect of missense changes on protein structure and function are either unavailable or do not agree on the potential impact of this missense change (SIFT: "Tolerated"; PolyPhen-2: "Possibly Damaging"; Align-GVGD: "Class C0"). This variant has not been reported in the literature in individuals affected with APC-related conditions. This variant is not present in population databases (gnomAD no frequency).

NM_000038.6(APC):c.7265C>G (p.Thr2422Ser)

Gene: APC (APC regulator of Wnt signaling pathway; plus strand). Cytogenetic location: 5q22.2.
Variant type: single nucleotide variant.
Coding change: c.7265C>G on transcript NM_000038.6 (MANE Select); coding-DNA position 7265, C replaced by G.
Protein change: p.Thr2422Ser; replaces threonine 2422 with serine.
Molecular consequence: missense variant.
Genome position (GRCh38, 1-based): chr5:112,842,859, C>G. VCF-style: chr5-112842859-C-G. GRCh37 (hg19) VCF-style: chr5-112178556-C-G.
Other names: c.7265C>G, p.Thr2422Ser (NM_001127510.3, NM_001354895.2, NM_001407450.1); c.7211C>G, p.Thr2404Ser (NM_001127511.3); c.7319C>G, p.Thr2440Ser (NM_001354896.2, NM_001407447.1, NM_001407448.1 and 1 more transcripts); c.7295C>G, p.Thr2432Ser (NM_001354897.2); c.7190C>G, p.Thr2397Ser (NM_001354898.2); c.7181C>G, p.Thr2394Ser (NM_001354899.2); c.7142C>G, p.Thr2381Ser (NM_001354900.2); c.7088C>G, p.Thr2363Ser (NM_001354901.2, NM_001407453.1); and 11 more; short protein forms T2262S, T2331S, T2381S, T2404S, T2440S, T2321S, T2363S, T2397S.
Identifiers: ClinVar variation 2076327 (VCV002076327.4), dbSNP rs1377799096, ClinGen allele CA16037151.